The following is an entry in ClinVar:

NM_206933.4(USH2A):c.988_992delinsT (p.Asp329_Asn330insTer)

Gene: USH2A (usherin; minus strand). Cytogenetic location: 1q41.
Variant type: Indel.
Coding change: c.988_992delinsT on transcript NM_206933.4 (MANE Select); coding-DNA positions 988 to 992, AATAG replaced by T.
Protein change: p.Asp329_Asn330insTer.
Molecular consequence: nonsense.
Genome position (GRCh38, 1-based): chr1:216,325,456-216,325,460, CTATT replaced by A on the plus strand (AATAG replaced by T on the coding strand, the reverse complement: USH2A is on the minus strand). VCF-style: chr1-216325456-CTATT-A. GRCh37 (hg19) VCF-style: chr1-216498798-CTATT-A.
Other names: c.988_992delinsT, p.Asp329_Asn330insTer (NM_007123.6).
Identifiers: ClinVar variation 4817163 (VCV004817163.1).

ClinVar aggregate classification (germline): Likely pathogenic (1 of 4 stars; one submission).

Conditions:
Usher syndrome type 2A. Also called: RETINAL DISEASE IN USHER SYNDROME TYPE IIA, MODIFIER OF; USHER SYNDROME, TYPE IIA. Identifiers: Orphanet 231178, Orphanet 886, MedGen C1848634, MONDO:0010169, OMIM 276901.

Submission:

Natera, Inc.
Classification: Likely pathogenic for Usher syndrome type 2A. Last evaluated: 2024-02-28. Review status: criteria provided, single submitter. Criteria: Natera Variant Classification Schema (03/2026). Collection method: clinical testing. Allele origin: germline.
Comment: The c.988_992delAATAGinsT variant in USH2A is a frameshift variant predicted to shift the reading frame and introduce a stop codon. This variant is expected to result in nonsense mediated decay, truncation, or a dysfunctional protein product. This variant is rare in the general population with a frequency below the threshold expected for the associated phenotype(s). Given the available evidence, this variant is classified as Likely Pathogenic.